The following is an entry in ClinVar:

ClinVar aggregate classification (germline): Uncertain significance (1 of 4 stars; one submission).

Conditions:
Gorlin syndrome. Also called: Nevoid Basal Cell Carcinoma Syndrome; Basal cell nevus syndrome. Identifiers: Orphanet 377, MedGen C0004779, MONDO:0007187.

Submission:

Labcorp Genetics (formerly Invitae), Labcorp
Classification: Uncertain significance for Gorlin syndrome. Last evaluated: 2021-02-28. Review status: criteria provided, single submitter. Criteria: Invitae Variant Classification Sherloc (09022015). Collection method: clinical testing. Allele origin: germline.
Comment: This variant is not present in population databases (ExAC no frequency). This sequence change affects an acceptor splice site in intron 9 of the PTCH2 gene. It is expected to disrupt RNA splicing. Variants that disrupt the donor or acceptor splice site typically lead to a loss of protein function (PMID: 16199547), however the current clinical and genetic evidence is not sufficient to establish whether loss-of-function variants in PTCH2 cause disease. This variant has not been reported in the literature in individuals with PTCH2-related conditions. In summary, the available evidence is currently insufficient to determine the role of this variant in disease. Therefore, it has been classified as a Variant of Uncertain Significance. Algorithms developed to predict the effect of sequence changes on RNA splicing suggest that this variant may disrupt the consensus splice site, but this prediction has not been confirmed by published transcriptional studies.

Literature cited by the submitters: PubMed 16199547.

NM_003738.5(PTCH2):c.1216-1G>C

Gene: PTCH2 (patched 2; minus strand). Cytogenetic location: 1p34.1.
Variant type: single nucleotide variant.
Coding change: c.1216-1G>C on transcript NM_003738.5 (MANE Select); the canonical splice acceptor site of the intron before coding-DNA position 1216, G replaced by C.
Molecular consequence: splice acceptor variant.
Genome position (GRCh38, 1-based): chr1:44,829,313, C>G on the plus strand (G>C on the coding strand, the complement: PTCH2 is on the minus strand). VCF-style: chr1-44829313-C-G. GRCh37 (hg19) VCF-style: chr1-45294985-C-G.
Other names: c.1216-1G>C (NM_001166292.2).
Identifiers: ClinVar variation 1484717 (VCV001484717.8), dbSNP rs781065537, ClinGen allele CA340103677.